The following is an entry in ClinVar:

ClinVar aggregate classification (germline): Uncertain significance (1 of 4 stars; one submission).

Allele frequency attached by ClinVar (database versions not stated): gnomAD 0.00001; TOPMed 0.00001; gnomAD exomes 0.00002; ExAC 0.00003; ESP Exome Variant Server 0.00015.
gnomAD v4.1: 23 of 1,367,490 alleles (0.0017%); highest among the groups gnomAD compares: Non-Finnish European, 0.0021%; no homozygotes.

Submission:

Labcorp Genetics (formerly Invitae), Labcorp
Classification: Uncertain significance. Last evaluated: 2025-03-13. Review status: criteria provided, single submitter. Criteria: Invitae Variant Classification Sherloc (09022015). Collection method: clinical testing. Allele origin: germline.
Comment: This sequence change replaces histidine, which is basic and polar, with arginine, which is basic and polar, at codon 1463 of the ERCC6L2 protein (p.His1463Arg). This variant is present in population databases (rs146686577, gnomAD 0.003%). This variant has not been reported in the literature in individuals affected with ERCC6L2-related conditions. ClinVar contains an entry for this variant (Variation ID: 1932804). Experimental studies and prediction algorithms are not available or were not evaluated, and the functional significance of this variant is currently unknown. In summary, the available evidence is currently insufficient to determine the role of this variant in disease. Therefore, it has been classified as a Variant of Uncertain Significance.

NM_020207.7(ERCC6L2):c.4355A>G (p.His1452Arg)

Gene: ERCC6L2 (ERCC excision repair 6 like 2; plus strand). Cytogenetic location: 9q22.32.
Variant type: single nucleotide variant.
Coding change: c.4355A>G on transcript NM_020207.7 (MANE Select); coding-DNA position 4355, A replaced by G.
Protein change: p.His1452Arg; replaces histidine 1452 with arginine.
Molecular consequence: missense variant. On other transcripts: non-coding transcript variant (1), intron variant (2).
Genome position (GRCh38, 1-based): chr9:96,012,905, A>G. VCF-style: chr9-96012905-A-G. GRCh37 (hg19) VCF-style: chr9-98775187-A-G.
Other names: c.3674+8204A>G (NM_001375291.1, NM_001375292.1); short protein forms H1452R.
Identifiers: ClinVar variation 1932804 (VCV001932804.4), dbSNP rs146686577, ClinGen allele CA5140098.